The following is an entry in ClinVar:

ClinVar aggregate classification (germline): Pathogenic. Review status: criteria provided, multiple submitters, no conflicts (2 of 4 stars). 4 submissions from 4 submitters: Pathogenic (3). 1 of the submissions does not count toward it. Last evaluated 2025-12-21.

Conditions:
Ichthyosis vulgaris. Also called: Dominant ichthyosis vulgaris; ICHTHYOSIS SIMPLEX. Identifiers: MedGen C0079584, MONDO:0024304, OMIM 146700.
Inborn genetic diseases. Identifiers: MedGen C0950123, MeSH D030342.

Allele frequency attached by ClinVar (database versions not stated): ExAC 0.00006; gnomAD exomes 0.00007 and 0.00020; TOPMed 0.00011; gnomAD 0.00013 and 0.00014; ESP Exome Variant Server 0.00015.
gnomAD v4.1: 297 of 1,614,048 alleles (0.018%); highest among the groups gnomAD compares: Non-Finnish European, 0.024%; 1 homozygote.

Submissions (4):

GeneDx
Classification: Pathogenic. Last evaluated: 2025-12-21. Review status: criteria provided, single submitter. Criteria: GeneDx Variant Classification Process June 2021. Collection method: clinical testing. Allele origin: germline. Affected: yes.
Comment: Identified in published literature in the heterozygous state in an individual with ichthyosis who also harbored two variants in a different gene associated with autosomal recessive inheritance (PMID: 25356970); Nonsense variant predicted to result in protein truncation, as the last 1982 amino acid(s) are lost, and other loss-of-function variants have been reported downstream in HGMD; This variant is associated with the following publications: (PMID: 34758253, 31365035, 31589614, 34510712, 25356970, 16444271)

Genome-Nilou Lab
Classification: Pathogenic for Ichthyosis vulgaris. Last evaluated: 2023-04-11. Review status: criteria provided, single submitter. Criteria: ACMG Guidelines, 2015. Collection method: clinical testing. Allele origin: germline. Affected: no.

Ambry Genetics
Classification: Pathogenic for Inborn genetic diseases. Last evaluated: 2014-02-06. Review status: criteria provided, single submitter. Criteria: Ambry Autosomal Dominant and X-Linked criteria (10/2015). Collection method: clinical testing. Allele origin: germline. Observed: 1 variant allele.

Genomics England Pilot Project, Genomics England
Classification: Likely pathogenic for Ichthyosis vulgaris. Review status: no assertion criteria provided. Criteria: ACGS Guidelines, 2016. Collection method: clinical testing. Allele origin: germline. Affected: yes. Not counted in ClinVar's aggregate classification.

NM_002016.2(FLG):c.6239C>A (p.Ser2080Ter)

Genes: FLG (filaggrin; minus strand), CCDST (cervical cancer associated DHX9 suppressive transcript; plus strand). Cytogenetic location: 1q21.3.
Variant type: single nucleotide variant.
Coding change: c.6239C>A on transcript NM_002016.2 (MANE Select); coding-DNA position 6239, C replaced by A.
Protein change: p.Ser2080Ter; replaces serine 2080 with a stop codon.
Molecular consequence: nonsense.
Genome position (GRCh38, 1-based): chr1:152,308,647, G>T on the plus strand (C>A on the coding strand, the complement: FLG is on the minus strand). VCF-style: chr1-152308647-G-T. GRCh37 (hg19) VCF-style: chr1-152281123-G-T.
Other names: short protein forms S2080*.
Identifiers: ClinVar variation 225060 (VCV000225060.17), dbSNP rs147145234, ClinGen allele CA358117.